The following is an entry in ClinVar:

ClinVar aggregate classification (germline): Benign/Likely benign. Review status: criteria provided, multiple submitters, no conflicts (2 of 4 stars). 5 submissions from 5 submitters: Benign (2); Likely benign (2). 1 of the submissions does not count toward it. Last evaluated 2026-04-01.

Conditions:
SETBP1-related disorder. Also called: SETBP1-related condition; SETBP1-related disorders.

Allele frequency attached by ClinVar (database versions not stated): gnomAD exomes 0.00016 and 0.00051; ExAC 0.00086; 1000 Genomes Project 30x 0.00156; 1000 Genomes Project 0.00160; gnomAD 0.00167 and 0.00185; ESP Exome Variant Server 0.00192; TOPMed 0.00198.
gnomAD v4.1: 496 of 1,610,714 alleles (0.031%); highest among the groups gnomAD compares: African/African-American, 0.6%; 1 homozygote.

Submissions (5):

CeGaT Center for Human Genetics Tuebingen
Classification: Likely benign. Last evaluated: 2026-04-01. Review status: criteria provided, single submitter. Criteria: CeGaT Center For Human Genetics Tuebingen Variant Classification Criteria Version 2. Collection method: clinical testing. Allele origin: germline. Affected: yes. Observed: 2 variant alleles.
Comment: SETBP1: BP4, BP7

Labcorp Genetics (formerly Invitae), Labcorp
Classification: Benign. Last evaluated: 2026-01-26. Review status: criteria provided, single submitter. Criteria: Invitae Variant Classification Sherloc (09022015). Collection method: clinical testing. Allele origin: germline.

Blueprint Genetics
Classification: Likely benign. Last evaluated: 2023-11-14. Review status: criteria provided, single submitter. Criteria: ACMG Guidelines, 2015. Collection method: clinical testing. Allele origin: germline.

GeneDx
Classification: Benign. Last evaluated: 2019-07-26. Review status: criteria provided, single submitter. Criteria: GeneDx Variant Classification Process June 2021. Collection method: clinical testing. Allele origin: germline. Affected: yes.

PreventionGenetics, part of Exact Sciences
Classification: Benign for SETBP1-related condition. Last evaluated: 2021-06-10. Review status: no assertion criteria provided. Collection method: clinical testing. Allele origin: germline. Not counted in ClinVar's aggregate classification.
Comment: This variant is classified as benign based on ACMG/AMP sequence variant interpretation guidelines (Richards et al. 2015 PMID: 25741868, with internal and published modifications).

NM_015559.3(SETBP1):c.4368T>C (p.Arg1456=)

Gene: SETBP1 (SET binding protein 1; plus strand). Cytogenetic location: 18q12.3.
Variant type: single nucleotide variant.
Coding change: c.4368T>C on transcript NM_015559.3 (MANE Select); coding-DNA position 4368, T replaced by C.
Protein change: p.Arg1456=; no amino-acid change (arginine 1456 retained).
Molecular consequence: synonymous variant.
Genome position (GRCh38, 1-based): chr18:45,063,275, T>C. VCF-style: chr18-45063275-T-C. GRCh37 (hg19) VCF-style: chr18-42643240-T-C.
Other names: c.4368T>C, p.Arg1456= (NM_001379141.1, NM_001379142.1).
Identifiers: ClinVar variation 1233679 (VCV001233679.28), dbSNP rs149745878, ClinGen allele CA8946140.